The following is an entry in ClinVar:

ClinVar aggregate classification (germline): Uncertain significance. Review status: criteria provided, multiple submitters, no conflicts (2 of 4 stars). 2 submissions from 2 submitters: Uncertain significance (2). Last evaluated 2025-04-02.

Conditions:
Inborn genetic diseases. Identifiers: MedGen C0950123, MeSH D030342.

Allele frequency attached by ClinVar (database versions not stated): gnomAD exomes below 0.00001.
gnomAD v4.1: 2 of 1,613,812 alleles (0.00012%); highest among the groups gnomAD compares: East Asian, 0.0022%; no homozygotes.

Submissions (2):

Ambry Genetics
Classification: Uncertain significance for Inborn genetic diseases. Last evaluated: 2025-04-02. Review status: criteria provided, single submitter. Criteria: Ambry Variant Classification Scheme 2023. Collection method: clinical testing. Allele origin: germline.

Labcorp Genetics (formerly Invitae), Labcorp
Classification: Uncertain significance. Last evaluated: 2022-02-25. Review status: criteria provided, single submitter. Criteria: Invitae Variant Classification Sherloc (09022015). Collection method: clinical testing. Allele origin: germline.
Comment: This sequence change replaces threonine, which is neutral and polar, with alanine, which is neutral and non-polar, at codon 419 of the KIAA1549 protein (p.Thr419Ala). This variant is not present in population databases (gnomAD no frequency). In summary, the available evidence is currently insufficient to determine the role of this variant in disease. Therefore, it has been classified as a Variant of Uncertain Significance. Algorithms developed to predict the effect of missense changes on protein structure and function output the following: SIFT: "Tolerated"; PolyPhen-2: "Benign"; Align-GVGD: "Class C0". The alanine amino acid residue is found in multiple mammalian species, which suggests that this missense change does not adversely affect protein function. This variant has not been reported in the literature in individuals affected with KIAA1549-related conditions.

NM_001164665.2(KIAA1549):c.1255A>G (p.Thr419Ala)

Gene: KIAA1549 (KIAA1549; minus strand). Cytogenetic location: 7q34.
Variant type: single nucleotide variant.
Coding change: c.1255A>G on transcript NM_001164665.2 (MANE Select); coding-DNA position 1255, A replaced by G.
Protein change: p.Thr419Ala; replaces threonine 419 with alanine.
Molecular consequence: missense variant.
Genome position (GRCh38, 1-based): chr7:138,918,371, T>C on the plus strand (A>G on the coding strand, the complement: KIAA1549 is on the minus strand). VCF-style: chr7-138918371-T-C. GRCh37 (hg19) VCF-style: chr7-138603117-T-C.
Other names: c.1255A>G (NM_001164665.1); c.1255A>G, p.Thr419Ala (NM_020910.3); short protein forms T419A.
Identifiers: ClinVar variation 2079439 (VCV002079439.5), dbSNP rs2485559668, ClinGen allele CA369399382.
Genomic context (GRCh38, chr7:138,918,371, plus strand): 5'-CCATGAGGCTCGTGGCCAGAACTTGCTGAGGTGAAGGCACAGTGCAGGCCGCACACCAAG[T>C]GTATGGTCTGAATGAGGACACCGGGCTCAGGATATGAGTGTTGTCCACAGGACCGGGGAG-3'
Protein context (NP_001158137.1, residues 409-429): LSPVSSFRPY[Thr419Ala]WCAACTVPSP